The following is an entry in ClinVar:

NM_017415.3(KLHL3):c.1436G>A (p.Arg479His)

Gene: KLHL3 (kelch like family member 3; minus strand). Cytogenetic location: 5q31.2.
Variant type: single nucleotide variant.
Coding change: c.1436G>A on transcript NM_017415.3 (MANE Select); coding-DNA position 1436, G replaced by A.
Protein change: p.Arg479His; replaces arginine 479 with histidine.
Molecular consequence: missense variant.
Genome position (GRCh38, 1-based): chr5:137,634,051, C>T on the plus strand (G>A on the coding strand, the complement: KLHL3 is on the minus strand). VCF-style: chr5-137634051-C-T. GRCh37 (hg19) VCF-style: chr5-136969740-C-T.
Other names: c.1340G>A, p.Arg447His (NM_001257194.1); c.1190G>A, p.Arg397His (NM_001257195.2); short protein forms R447H, R397H, R479H.
Identifiers: ClinVar variation 3696945 (VCV003696945.2).

ClinVar aggregate classification (germline): Uncertain significance (1 of 4 stars; one submission).

gnomAD v4.1: 5 of 1,614,186 alleles (0.00031%); highest among the groups gnomAD compares: East Asian, 0.0022%; no homozygotes.

Submission:

Labcorp Genetics (formerly Invitae), Labcorp
Classification: Uncertain significance. Last evaluated: 2024-04-16. Review status: criteria provided, single submitter. Criteria: Invitae Variant Classification Sherloc (09022015). Collection method: clinical testing. Allele origin: germline.
Comment: This sequence change replaces arginine, which is basic and polar, with histidine, which is basic and polar, at codon 479 of the KLHL3 protein (p.Arg479His). This variant is present in population databases (rs555543412, gnomAD 0.006%). This variant has not been reported in the literature in individuals affected with KLHL3-related conditions. Advanced modeling of protein sequence and biophysical properties (such as structural, functional, and spatial information, amino acid conservation, physicochemical variation, residue mobility, and thermodynamic stability) performed at Invitae indicates that this missense variant is not expected to disrupt KLHL3 protein function with a negative predictive value of 80%. In summary, the available evidence is currently insufficient to determine the role of this variant in disease. Therefore, it has been classified as a Variant of Uncertain Significance.